The following is an entry in ClinVar:

ClinVar aggregate classification (germline): Conflicting classifications of pathogenicity. Review status: criteria provided, conflicting classifications (1 of 4 stars). 2 submissions from 2 submitters: Likely pathogenic (1); Uncertain significance (1). Last evaluated 2023-05-01.

Conditions:
Familial melanoma. Also called: Hereditary melanoma; Hereditary cutaneous melanoma. Identifiers: Orphanet 618, MedGen C1512419, MONDO:0018961.
Hereditary cancer-predisposing syndrome. Also called: Tumor predisposition; Neoplastic Syndromes, Hereditary; Hereditary Cancer Syndrome; Hereditary neoplastic syndrome. Identifiers: Orphanet 140162, MedGen C0027672, MeSH D009386, MONDO:0015356.

Submissions (2):

Ambry Genetics
Classification: Uncertain significance for Hereditary cancer-predisposing syndrome. Last evaluated: 2023-05-01. Review status: criteria provided, single submitter. Criteria: Ambry Variant Classification Scheme 2023. Collection method: clinical testing. Allele origin: germline.
Comment: The c.187delA variant, located in coding exon 1 of the CDKN2A (p14ARF) gene, results from a deletion of one nucleotide at nucleotide position 187, causing a translational frameshift with a predicted alternate stop codon (p.R63Dfs*109). This alteration occurs at the 3' terminus of CDKN2A (p14ARF) gene, is not expected to trigger nonsense-mediated mRNAdecay and results in the elongation of the protein by 38 amino acids. This frameshift impacts the last 70amino acids of the native protein. The exact functional effect of the altered amino acids is unknown. Further, loss of function has not been clearly established as a mechanism of disease for the p14 isoform of CDKN2A. Since supporting evidence is limited at this time, the clinical significance of this alteration remains unclear.

Labcorp Genetics (formerly Invitae), Labcorp
Classification: Likely pathogenic for Familial melanoma. Last evaluated: 2021-08-02. Review status: criteria provided, single submitter. Criteria: Invitae Variant Classification Sherloc (09022015). Collection method: clinical testing. Allele origin: germline.

NM_058195.4(CDKN2A):c.187del (p.Arg63fs)

Gene: CDKN2A (cyclin dependent kinase inhibitor 2A; minus strand). Cytogenetic location: 9p21.3.
Variant type: Deletion.
Coding change: c.187del on transcript NM_058195.4 (MANE Plus Clinical); coding-DNA position 187, one base deleted (A; older notation c.187delA).
Protein change: p.Arg63fs; shifts the reading frame from arginine 63.
Molecular consequence: frameshift variant. On other transcripts: intron variant (1).
Genome position (GRCh38, 1-based): chr9:21,994,145, T deleted on the plus strand (A on the coding strand, the reverse complement: CDKN2A is on the minus strand); the first of 2 consecutive T bases (chr9:21,994,145-21,994,146); deleting either gives the same sequence. VCF-style (leftmost placement, unchanged base first): chr9-21994144-CT-C. GRCh37 (hg19) VCF-style: chr9-21994143-CT-C.
Other names: c.187delA (NM_058195.3); c.186delA, p.Arg63Aspfs (NM_058195.3); c.-4+676del (NM_001363763.2); short protein forms R63fs.
Identifiers: ClinVar variation 850007 (VCV000850007.9), dbSNP rs1820526139, ClinGen allele CA916080406.
Genomic context (GRCh38, chr9:21,994,144, plus strand): 5'-CACCAAACAAAACAAGTGCCGAATGCGCCCCGGACTTTTCGAGGGCCTTTCCTACCTGGT[CT>C]TCTAGGAAGCGGCTGCTGCCCTAGACGCTGGCTCCTCAGTAGCATCAGCACGAGGGCCAC-3'